The following is an entry in ClinVar:

NM_198578.4(LRRK2):c.1015G>C (p.Asp339His)

Gene: LRRK2 (leucine rich repeat kinase 2; plus strand). Cytogenetic location: 12q12.
Variant type: single nucleotide variant.
Coding change: c.1015G>C on transcript NM_198578.4 (MANE Select); coding-DNA position 1015, G replaced by C.
Protein change: p.Asp339His; replaces aspartic acid 339 with histidine.
Molecular consequence: missense variant.
Genome position (GRCh38, 1-based): chr12:40,251,288, G>C. VCF-style: chr12-40251288-G-C. GRCh37 (hg19) VCF-style: chr12-40645090-G-C.
Other names: short protein forms D339H.
Identifiers: ClinVar variation 1474746 (VCV001474746.6), dbSNP rs2136478027, ClinGen allele CA384407815.

ClinVar aggregate classification (germline): Uncertain significance (1 of 4 stars; one submission).

Conditions:
Autosomal dominant Parkinson disease 8. Also called: LRRK2-Related Parkinson Disease; Parkinson disease 8; Parkinson disease 8, susceptibility to. Identifiers: Orphanet 411602, MedGen C1846862, MONDO:0011764, OMIM 607060.

Submission:

Labcorp Genetics (formerly Invitae), Labcorp
Classification: Uncertain significance for Autosomal dominant Parkinson disease 8. Last evaluated: 2023-12-11. Review status: criteria provided, single submitter. Criteria: Invitae Variant Classification Sherloc (09022015). Collection method: clinical testing. Allele origin: germline.
Comment: This sequence change replaces aspartic acid, which is acidic and polar, with histidine, which is basic and polar, at codon 339 of the LRRK2 protein (p.Asp339His). This variant is not present in population databases (gnomAD no frequency). This variant has not been reported in the literature in individuals affected with LRRK2-related conditions. ClinVar contains an entry for this variant (Variation ID: 1474746). An algorithm developed to predict the effect of missense changes on protein structure and function (PolyPhen-2) suggests that this variant is likely to be tolerated. In summary, the available evidence is currently insufficient to determine the role of this variant in disease. Therefore, it has been classified as a Variant of Uncertain Significance.